The following is an entry in ClinVar:

NM_000232.5(SGCB):c.*1125T>A

Gene: SGCB (sarcoglycan beta; minus strand). Cytogenetic location: 4q12.
Variant type: single nucleotide variant.
Coding change: c.*1125T>A on transcript NM_000232.5 (MANE Select); 1125 bases downstream of the stop codon, T replaced by A.
Molecular consequence: 3 prime UTR variant.
Genome position (GRCh38, 1-based): chr4:52,022,832, A>T on the plus strand (T>A on the coding strand, the complement: SGCB is on the minus strand). VCF-style: chr4-52022832-A-T. GRCh37 (hg19) VCF-style: chr4-52888998-A-T.
Identifiers: ClinVar variation 348868 (VCV000348868.6), dbSNP rs146235069, ClinGen allele CA10621127.

ClinVar aggregate classification (germline): Likely benign (1 of 4 stars; one submission).

Conditions:
Qualitative or quantitative defects of beta-sarcoglycan. Identifiers: Orphanet 207063, MedGen C2930900, MONDO:0016142.

Allele frequency attached by ClinVar (database versions not stated): gnomAD 0.00017 and 0.00026; TOPMed 0.00046; 1000 Genomes Project 30x 0.00219; 1000 Genomes Project 0.00220.
gnomAD v4.1: 39 of 152,306 alleles (0.026%); highest among the groups gnomAD compares: East Asian, 0.73%; 1 homozygote.

Submission:

Illumina Laboratory Services, Illumina
Classification: Likely benign for Qualitative or quantitative defects of beta-sarcoglycan. Last evaluated: 2018-01-12. Review status: criteria provided, single submitter. Criteria: ICSL Variant Classification Criteria 13 December 2019. Collection method: clinical testing. Allele origin: germline.
Comment: This variant was observed in the ICSL laboratory as part of a predisposition screen in an ostensibly healthy population. It had not been previously curated by ICSL or reported in the Human Gene Mutation Database (HGMD: prior to June 1st, 2018), and was therefore a candidate for classification through an automated scoring system. Utilizing variant allele frequency, disease prevalence and penetrance estimates, and inheritance mode, an automated score was calculated to assess if this variant is too frequent to cause the disease. Based on the score and internal cut-off values, a variant classified as likely benign is not then subjected to further curation. The score for this variant resulted in a classification of likely benign for this disease.